The following is an entry in ClinVar:

ClinVar aggregate classification (germline): Uncertain significance (1 of 4 stars; one submission).

Submission:

GeneDx
Classification: Uncertain significance. Last evaluated: 2026-04-29. Review status: criteria provided, single submitter. Criteria: GeneDx Variant Classification Process June 2021. Collection method: clinical testing. Allele origin: germline.
Comment: Not observed at significant frequency in large population cohorts (gnomAD); Missense variants in this gene are a common cause of disease and they are underrepresented in the general population; In silico analysis suggests that this missense variant does not alter protein structure/function; Has not been previously published as pathogenic or benign to our knowledge

NM_001101.5(ACTB):c.553C>G (p.Leu185Val)

Gene: ACTB (actin beta; minus strand). Cytogenetic location: 7p22.1.
Variant type: single nucleotide variant.
Coding change: c.553C>G on transcript NM_001101.5 (MANE Select); coding-DNA position 553, C replaced by G.
Protein change: p.Leu185Val; replaces leucine 185 with valine.
Molecular consequence: missense variant.
Genome position (GRCh38, 1-based): chr7:5,528,530, G>C on the plus strand (C>G on the coding strand, the complement: ACTB is on the minus strand). VCF-style: chr7-5528530-G-C. GRCh37 (hg19) VCF-style: chr7-5568161-G-C.
Other names: short protein forms L185V.
Identifiers: ClinVar variation 2580833 (VCV002580833.2), dbSNP rs1584262058, ClinGen allele CA366702901.